The following is an entry in ClinVar:

NM_000639.3(FASLG):c.605G>C (p.Cys202Ser)

Gene: FASLG (Fas ligand; plus strand). Cytogenetic location: 1q24.3.
Variant type: single nucleotide variant.
Coding change: c.605G>C on transcript NM_000639.3 (MANE Select); coding-DNA position 605, G replaced by C.
Protein change: p.Cys202Ser; replaces cysteine 202 with serine.
Molecular consequence: missense variant. On other transcripts: 3 prime UTR variant (1).
Genome position (GRCh38, 1-based): chr1:172,665,775, G>C. VCF-style: chr1-172665775-G-C. GRCh37 (hg19) VCF-style: chr1-172634915-G-C.
Other names: p.(Cys202Ser); c.*175G>C (NM_001302746.2); short protein forms C202S.
Identifiers: ClinVar variation 1327546 (VCV001327546.3), dbSNP rs2101810634, ClinGen allele CA343806217.

ClinVar aggregate classification (germline): Pathogenic. Review status: criteria provided, single submitter (1 of 4 stars). 2 submissions from 2 submitters: Pathogenic (1). 1 of the submissions does not count toward it. Last evaluated 2026-06-12.

Conditions:
Autoimmune lymphoproliferative syndrome type 1. Also called: AUTOIMMUNE LYMPHOPROLIFERATIVE SYNDROME, TYPE I, AUTOSOMAL DOMINANT. Identifiers: Orphanet 3261, MedGen C2717884, MONDO:0011158, OMIM 601859.

Submissions (2):

Department of Medical Genetics and Oncogenetics, Mohammed VI University Hospital, Faculty of Medicine and Pharmacy, Tangier, Morocco
Classification: Pathogenic for Autoimmune lymphoproliferative syndrome type 1. Last evaluated: 2026-06-12. Review status: criteria provided, single submitter. Criteria: ACMG Guidelines, 2015. Collection method: clinical testing. Allele origin: germline. Affected: yes. Observed: 1 variant allele, 1 homozygote.
Comment: Classification is based on ACMG/AMP guidelines (Richards et al. 2015, PMID:25741868): Functional studies performed on the exact variant p.Cys202Ser demonstrated that H293T cells transfected with mutant FASLG failed to induce significant cytotoxicity in L1210.Fas target cells at all effector:target ratios tested (1:1, 5:1, and 10:1), in contrast to wild-type FASLG (p<0.05, unpaired Student's t-test). Additionally, soluble FasL was undetectable in plasma and cell supernatants (sFasL = 0 pg/mL), while FasL mRNA and protein expression were normal (Ruiz-García et al. 2015, PMID: 26334989). PS4 (Strong): Same homozygous variant identified in two affected siblings from an independent Moroccan consanguineous family (Ruiz-García et al. 2015, PMID:26334989), suggesting a possible North African founder effect. PM1 (Moderate): Variant affects Cys202 in the TNF Homology Domain (THD), essential for FasL homotrimeric assembly and Fas binding. Disulfide bond Cys202-Cys233 confirmed by X-ray crystallography (PDB:4MSV). FoldX ΔΔG=7.42 kcal/mol indicates major thermodynamic destabilization. Parental segregation analysis pending. PP3 (Supporting): Concordant pathogenic predictions: AlphaMissense 0.966, REVEL 0.883, EVE 0.891, CADD phred 28.5, PhyloP 1.000. SpliceAI=0.00. Classification: PATHOGENIC (Class 5) Criteria: PS3+PS4+PM1+PM2+PM3+PP3+PP4

GeneReviews
No classification provided. Condition: Autoimmune lymphoproliferative syndrome. Review status: no classification provided. Collection method: literature only. Allele origin: germline. Not counted in ClinVar's aggregate classification.

Literature cited by the submitters: PubMed 26334989 (cited by Department of Medical Genetics and Oncogenetics, Mohammed VI University Hospital, Faculty of Medicine and Pharmacy, Tangier, Morocco and GeneReviews).